The following is an entry in ClinVar:

NM_007294.4(BRCA1):c.81-12del

Gene: BRCA1 (BRCA1 DNA repair associated; minus strand). Cytogenetic location: 17q21.31.
Variant type: Deletion.
Coding change: c.81-12del on transcript NM_007294.4 (MANE Select); 12 bases into the intron before coding-DNA position 81, one base deleted (C; older notation c.81-12delC).
Molecular consequence: intron variant.
Genome position (GRCh38, 1-based): chr17:43,115,791, G deleted on the plus strand (C on the coding strand, the reverse complement: BRCA1 is on the minus strand); the first of 7 consecutive G bases (chr17:43,115,791-43,115,797); deleting any one gives the same sequence. VCF-style (leftmost placement, unchanged base first): chr17-43115790-AG-A. GRCh37 (hg19) VCF-style: chr17-41267807-AG-A.
Other names: IVS2-12delC; c.81-12delC (NM_007294.3, NM_007294.4); c.81-12del (NM_001408420.1, NM_001408404.1, NM_001408472.1 and 191 more transcripts); c.-61-12del (NM_001408458.1, NM_001408470.1, NM_001407848.1 and 47 more transcripts); c.-219+9486del (NM_001407967.1); c.-170+9486del (NM_001407959.1); c.-7-9258del (NM_001407931.1, NM_001407747.1, NM_001408511.1 and 2 more transcripts); c.-223-12del (NM_001407962.1, NM_001408512.1, NM_001408510.1 and 1 more transcripts); and 12 more.
Identifiers: ClinVar variation 91667 (VCV000091667.25), dbSNP rs273902789, ClinGen allele CA003899.

ClinVar aggregate classification (germline): Benign/Likely benign. Review status: criteria provided, multiple submitters, no conflicts (2 of 4 stars). 6 submissions from 6 submitters: Benign (1); Likely benign (3). 2 of the submissions do not count toward it. Last evaluated 2025-04-27.
ClinVar aggregate classification (somatic clinical impact): Tier IV - Benign/Likely benign. Review status: no assertion criteria provided (0 of 4 stars). 4 submissions from 1 submitter.

Conditions:
Breast-ovarian cancer, familial, susceptibility to, 1 (BROVCA1). Also called: BRCA1 Hereditary Breast and Ovarian Cancer; OVARIAN CANCER, SUSCEPTIBILITY TO. Identifiers: Orphanet 145, MedGen C2676676, MONDO:0011450, OMIM 604370. Disease mechanism: loss of function.
Hereditary breast ovarian cancer syndrome. Also called: Hereditary breast and/or ovarian cancer syndrome; Hereditary breast and ovarian cancer syndrome; Hereditary breast and ovarian cancer; Hereditary breast and ovarian cancer syndrome (HBOC); Breast and ovarian cancer; BRCA1- and BRCA2-Associated Hereditary Breast and Ovarian Cancer. Identifiers: Orphanet 145, MedGen C0677776, MeSH D061325, MONDO:0003582. Disease mechanism: loss of function.
Hereditary cancer-predisposing syndrome. Also called: Hereditary Cancer Syndrome; Neoplastic Syndromes, Hereditary; Hereditary neoplastic syndrome; Tumor predisposition. Identifiers: Orphanet 140162, MedGen C0027672, MeSH D009386, MONDO:0015356.
Ewing sarcoma (ES). Also called: Ewing's sarcoma; Ewing's tumor; Ewing tumor. Identifiers: Orphanet 2677, Orphanet 319, MedGen C0553580, MONDO:0012817, OMIM 612219, HP:0012254.
Familial cancer of breast. Also called: hereditary breast carcinoma; Hereditary breast cancer; BREAST CANCER, FAMILIAL. Identifiers: Orphanet 227535, MedGen C0346153, MONDO:0016419, OMIM 114480. Disease mechanism: loss of function.
Lung cancer. Also called: Malignant tumor of lung; Lung cancer, somatic. Identifiers: MedGen C0242379, MONDO:0008903, OMIM 211980.
Spindle cell sarcoma. Identifiers: MedGen C0205945, MeSH D012509, MONDO:0002927.

Submissions (10):

Labcorp Genetics (formerly Invitae), Labcorp
Classification: Benign for Hereditary breast ovarian cancer syndrome. Last evaluated: 2025-04-27. Review status: criteria provided, single submitter. Criteria: Invitae Variant Classification Sherloc (09022015). Collection method: clinical testing. Allele origin: germline.

Center for Genomic Medicine, Rigshospitalet, Copenhagen University Hospital
Classification: Likely benign. Last evaluated: 2025-03-04. Review status: criteria provided, single submitter. Criteria: ACMG Guidelines, 2015. Collection method: clinical testing. Allele origin: germline.

Color Diagnostics, LLC DBA Color Health
Classification: Likely benign for Hereditary cancer-predisposing syndrome. Last evaluated: 2018-10-03. Review status: criteria provided, single submitter. Criteria: ACMG Guidelines, 2015. Collection method: clinical testing. Allele origin: germline.

GeneDx
Classification: Likely benign. Last evaluated: 2015-09-22. Review status: criteria provided, single submitter. Criteria: GeneDx Variant Classification (06012015). Collection method: clinical testing. Allele origin: germline. Affected: yes.
Comment: This variant is considered likely benign or benign based on one or more of the following criteria: it is a conservative change, it occurs at a poorly conserved position in the protein, it is predicted to be benign by multiple in silico algorithms, and/or has population frequency not consistent with disease.

Sharing Clinical Reports Project (SCRP)
Classification: Likely benign for Breast-ovarian cancer, familial 1. Last evaluated: 2010-02-02. Review status: no assertion criteria provided. Collection method: clinical testing. Allele origin: germline. Not counted in ClinVar's aggregate classification.

Breast Cancer Information Core (BIC) (BRCA1)
Classification: Uncertain significance for Breast-ovarian cancer, familial 1. Last evaluated: 2004-02-20. Review status: no assertion criteria provided. Collection method: clinical testing. Allele origin: germline. Affected: yes. Observed: 1 variant allele. Not counted in ClinVar's aggregate classification.

Faculté Pluridciplinaire Nador, Université Mohamed Premier
Classification: Tier IV - Benign/Likely benign for Familial cancer of breast. Review status: no assertion criteria provided. Collection method: research. Allele origin: somatic. Affected: yes.
Comment: The following databases and algorithms are used to annotate and evaluate the impact of the variant in the context of human disease: 1000 genomes, gnomAD, ClinVar, OMIM, dbSNP, NCIB RefSeq Genes, ExAC Gene Constraints, VS-SIFT, VS-PolyPhen2, PhyloP, GERP++, GeneSplicer, MaxEntScan, NNSplice, PWM Splice Predictor.

Faculté Pluridciplinaire Nador, Université Mohamed Premier
Classification: Tier IV - Benign/Likely benign for Spindle cell sarcoma. Review status: no assertion criteria provided. Collection method: research. Allele origin: somatic. Affected: yes.
Comment: the same text as in the submission from Faculté Pluridciplinaire Nador, Université Mohamed Premier above.

Faculté Pluridciplinaire Nador, Université Mohamed Premier
Classification: Tier IV - Benign/Likely benign for Ewing sarcoma. Review status: no assertion criteria provided. Collection method: research. Allele origin: somatic. Affected: yes.
Comment: the same text as in the submission from Faculté Pluridciplinaire Nador, Université Mohamed Premier above.

Faculté Pluridciplinaire Nador, Université Mohamed Premier
Classification: Tier IV - Benign/Likely benign for Lung cancer. Review status: no assertion criteria provided. Collection method: research. Allele origin: somatic. Affected: yes.
Comment: the same text as in the submission from Faculté Pluridciplinaire Nador, Université Mohamed Premier above.